The following is an entry in ClinVar:

ClinVar aggregate classification (germline): Likely benign. Review status: criteria provided, multiple submitters, no conflicts (2 of 4 stars). 4 submissions from 4 submitters: Likely benign (3). 1 of the submissions does not count toward it. Last evaluated 2026-01-18.

Conditions:
POLE-related disorder. Also called: POLE-related condition; POLE-related disorders.
Hereditary cancer-predisposing syndrome. Also called: Neoplastic Syndromes, Hereditary; Tumor predisposition; Hereditary Cancer Syndrome; Hereditary neoplastic syndrome. Identifiers: Orphanet 140162, MedGen C0027672, MeSH D009386, MONDO:0015356.

Allele frequency attached by ClinVar (database versions not stated): gnomAD exomes 0.00001 and 0.00004; TOPMed 0.00003; ExAC 0.00004.
gnomAD v4.1: 15 of 1,587,842 alleles (0.00094%); highest among the groups gnomAD compares: East Asian, 0.029%; no homozygotes.

Submissions (4):

Labcorp Genetics (formerly Invitae), Labcorp
Classification: Likely benign. Last evaluated: 2026-01-18. Review status: criteria provided, single submitter. Criteria: Invitae Variant Classification Sherloc (09022015). Collection method: clinical testing. Allele origin: germline.

GeneDx
Classification: Likely benign. Last evaluated: 2019-03-14. Review status: criteria provided, single submitter. Criteria: GeneDx Variant Classification Process June 2021. Collection method: clinical testing. Allele origin: germline. Affected: yes.

Ambry Genetics
Classification: Likely benign for Hereditary cancer-predisposing syndrome. Last evaluated: 2017-03-14. Review status: criteria provided, single submitter. Criteria: Ambry Variant Classification Scheme 2023. Collection method: clinical testing. Allele origin: germline.

PreventionGenetics, part of Exact Sciences
Classification: Likely benign for POLE-related condition. Last evaluated: 2020-02-05. Review status: no assertion criteria provided. Collection method: clinical testing. Allele origin: germline. Not counted in ClinVar's aggregate classification.
Comment: This variant is classified as likely benign based on ACMG/AMP sequence variant interpretation guidelines (Richards et al. 2015 PMID: 25741868, with internal and published modifications).

NM_006231.4(POLE):c.4995C>T (p.Ser1665=)

Gene: POLE (DNA polymerase epsilon, catalytic subunit; minus strand). Cytogenetic location: 12q24.33.
Variant type: single nucleotide variant.
Coding change: c.4995C>T on transcript NM_006231.4 (MANE Select); coding-DNA position 4995, C replaced by T.
Protein change: p.Ser1665=; no amino-acid change (serine 1665 retained).
Molecular consequence: synonymous variant.
Genome position (GRCh38, 1-based): chr12:132,642,355, G>A on the plus strand (C>T on the coding strand, the complement: POLE is on the minus strand). VCF-style: chr12-132642355-G-A. GRCh37 (hg19) VCF-style: chr12-133218941-G-A.
Identifiers: ClinVar variation 413560 (VCV000413560.21), dbSNP rs766531363, ClinGen allele CA6892644.
Genomic context (GRCh38, chr12:132,642,355, plus strand): 5'-CCAGAGCAGGTGGTTGTGGCGCTGGAGGTGGCGGGCAAAGAAGAGGTCGGAGCCGAATGT[G>A]GAGATGTCCTCTGGTAGGTTCCCAATGGGAATGTGAAAGTACCTGCACCAGGGCACAGGT-3'
Protein context (NP_006222.2, residues 1655-1675): IPIGNLPEDI[Ser1665=]TFGSDLFFAR